The following is an entry in ClinVar:

ClinVar aggregate classification (germline): Uncertain significance (1 of 4 stars; one submission).

Submission:

Labcorp Genetics (formerly Invitae), Labcorp
Classification: Uncertain significance. Last evaluated: 2023-08-07. Review status: criteria provided, single submitter. Criteria: Invitae Variant Classification Sherloc (09022015). Collection method: clinical testing. Allele origin: germline.
Comment: This sequence change replaces valine, which is neutral and non-polar, with alanine, which is neutral and non-polar, at codon 2466 of the SRCAP protein (p.Val2466Ala). This variant is not present in population databases (gnomAD no frequency). This variant has not been reported in the literature in individuals affected with SRCAP-related conditions. Advanced modeling of protein sequence and biophysical properties (such as structural, functional, and spatial information, amino acid conservation, physicochemical variation, residue mobility, and thermodynamic stability) performed at Invitae indicates that this missense variant is not expected to disrupt SRCAP protein function. In summary, the available evidence is currently insufficient to determine the role of this variant in disease. Therefore, it has been classified as a Variant of Uncertain Significance.

NM_006662.3(SRCAP):c.7397T>C (p.Val2466Ala)

Gene: SRCAP (Snf2 related CREBBP activator protein; plus strand). Cytogenetic location: 16p11.2.
Variant type: single nucleotide variant.
Coding change: c.7397T>C on transcript NM_006662.3 (MANE Select); coding-DNA position 7397, T replaced by C.
Protein change: p.Val2466Ala; replaces valine 2466 with alanine.
Molecular consequence: missense variant.
Genome position (GRCh38, 1-based): chr16:30,737,437, T>C. VCF-style: chr16-30737437-T-C. GRCh37 (hg19) VCF-style: chr16-30748758-T-C.
Other names: short protein forms V2466A.
Identifiers: ClinVar variation 2791238 (VCV002791238.3), dbSNP rs2506727258, ClinGen allele CA395632747.